The following is an entry in ClinVar:

ClinVar aggregate classification (germline): Uncertain significance (1 of 4 stars; one submission).

Conditions:
Cardiovascular phenotype. Identifiers: MedGen CN230736.

Submission:

Ambry Genetics
Classification: Uncertain significance for Cardiovascular phenotype. Last evaluated: 2026-08-31. Review status: criteria provided, single submitter. Criteria: Ambry Variant Classification Scheme 2023. Collection method: clinical testing. Allele origin: germline.
Comment: The p.T538A variant (also known as c.1612A>G), located in coding exon 14 of the PRDM5 gene, results from an A to G substitution at nucleotide position 1612. The threonine at codon 538 is replaced by alanine, an amino acid with similar properties. This amino acid position is conserved. In addition, this alteration is predicted to be tolerated by in silico analysis. Based on the available evidence, the clinical significance of this variant remains unclear.

NM_018699.4(PRDM5):c.1612A>G (p.Thr538Ala)

Gene: PRDM5 (PR/SET domain 5; minus strand). Cytogenetic location: 4q27.
Variant type: single nucleotide variant.
Coding change: c.1612A>G on transcript NM_018699.4 (MANE Select); coding-DNA position 1612, A replaced by G.
Protein change: p.Thr538Ala; replaces threonine 538 with alanine.
Molecular consequence: missense variant. On other transcripts: intron variant (1).
Genome position (GRCh38, 1-based): chr4:120,754,564, T>C on the plus strand (A>G on the coding strand, the complement: PRDM5 is on the minus strand). VCF-style: chr4-120754564-T-C. GRCh37 (hg19) VCF-style: chr4-121675719-T-C.
Other names: c.1444+22624A>G (NM_001300824.2); c.1519A>G, p.Thr507Ala (NM_001300823.2, NM_001379106.1); c.1645A>G, p.Thr549Ala (NM_001379104.1); short protein forms T549A, T538A, T507A.
Identifiers: ClinVar variation 5027269 (VCV005027269.1).
Genomic context (GRCh38, chr4:120,754,564, plus strand): 5'-TAAGTATGGTTTTCATGATCAATATTAATGAAACAGAATATAATCTTACCCTGGTGTGAG[T>C]ACGAATGTGCATCTTCAGTCCATCATTTTTACTGAATCCTTTTTCACAGTAAGGACATTG-3'
Protein context (NP_061169.2, residues 528-548): KNDGLKMHIR[Thr538Ala]HTREKPYKCS